The following is an entry in ClinVar:

ClinVar aggregate classification (germline): Uncertain significance (1 of 4 stars; one submission).

Conditions:
Gillespie syndrome (GLSP). Also called: Aniridia, cerebellar ataxia, and mental deficiency; Aniridia-cerebellar ataxia-intellectual disability syndrome. Identifiers: Orphanet 1065, MedGen C0431401, MONDO:0008795, OMIM 206700.

Submission:

Dasa
Classification: Uncertain significance for aniridia-cerebellar ataxia-intellectual disability syndrome. Last evaluated: 2025-10-16. Review status: criteria provided, single submitter. Criteria: DASA Assertion Criteria. Collection method: clinical testing. Allele origin: germline.
Comment: NM_001378452.1(ITPR1):c.4178T>C (p.Val1393Ala) is a missense variant that results in the substitution of valine with alanine. This variant is absent from population databases. The currently available literature and clinical evidence are not sufficient to establish a definitive association between this variant and the reported condition. Therefore, this variant is classified as a variant of uncertain significance.

NM_001378452.1(ITPR1):c.4178T>C (p.Val1393Ala)

Gene: ITPR1 (inositol 1,4,5-trisphosphate receptor type 1; plus strand). Cytogenetic location: 3p26.1.
Variant type: single nucleotide variant.
Coding change: c.4178T>C on transcript NM_001378452.1 (MANE Select); coding-DNA position 4178, T replaced by C.
Protein change: p.Val1393Ala; replaces valine 1393 with alanine.
Molecular consequence: missense variant.
Genome position (GRCh38, 1-based): chr3:4,693,638, T>C. VCF-style: chr3-4693638-T-C. GRCh37 (hg19) VCF-style: chr3-4735322-T-C.
Other names: c.4151T>C, p.Val1384Ala (NM_001099952.4); c.4133T>C, p.Val1378Ala (NM_001168272.2); c.4106T>C, p.Val1369Ala (NM_002222.7); short protein forms V1369A, V1378A, V1384A, V1393A.
Identifiers: ClinVar variation 4882076 (VCV004882076.2).